The following is an entry in ClinVar:

ClinVar aggregate classification (germline): Likely benign (0 of 4 stars; one submission).

Conditions:
ERLIN2-related disorder. Also called: ERLIN2-related condition.

Allele frequency attached by ClinVar (database versions not stated): gnomAD exomes below 0.00001; gnomAD 0.00003; TOPMed 0.00003.
gnomAD v4.1: 6 of 1,613,934 alleles (0.00037%); highest among the groups gnomAD compares: African/African-American, 0.008%; no homozygotes.

Submission:

PreventionGenetics, part of Exact Sciences
Classification: Likely benign for ERLIN2-related condition. Last evaluated: 2019-07-29. Review status: no assertion criteria provided. Collection method: clinical testing. Allele origin: germline.
Comment: This variant is classified as likely benign based on ACMG/AMP sequence variant interpretation guidelines (Richards et al. 2015 PMID: 25741868, with internal and published modifications).

NM_007175.8(ERLIN2):c.354C>T (p.Asn118=)

Gene: ERLIN2 (ER lipid raft associated 2; plus strand). Cytogenetic location: 8p11.23.
Variant type: single nucleotide variant.
Coding change: c.354C>T on transcript NM_007175.8 (MANE Select); coding-DNA position 354, C replaced by T.
Protein change: p.Asn118=; no amino-acid change (asparagine 118 retained).
Molecular consequence: synonymous variant.
Genome position (GRCh38, 1-based): chr8:37,744,626, C>T. VCF-style: chr8-37744626-C-T. GRCh37 (hg19) VCF-style: chr8-37602144-C-T.
Other names: c.354C>T, p.Asn118= (NM_001003790.4, NM_001003791.3, NM_001362878.2 and 1 more transcripts).
Identifiers: ClinVar variation 3034853 (VCV003034853.2), dbSNP rs1031026835, ClinGen allele CA175015355.